The following is an entry in ClinVar:

ClinVar aggregate classification (germline): Uncertain significance. Review status: reviewed by expert panel (3 of 4 stars). 4 submissions from 4 submitters: Uncertain significance (1). 3 of the submissions do not count toward it. Last evaluated 2026-04-28.

Conditions:
Autosomal recessive limb-girdle muscular dystrophy. Identifiers: Orphanet 102015, MedGen C2931907, MONDO:0015152.
Autosomal recessive limb-girdle muscular dystrophy type 2A (LGMDR1). Also called: Muscular dystrophy, limb-girdle, type 2A, Amish; LEYDEN-MOEBIUS MUSCULAR DYSTROPHY; Calpainopathy; MUSCULAR DYSTROPHY, PELVOFEMORAL; Limb-girdle muscular dystrophy, type 2A. Identifiers: Orphanet 267, MedGen C1869123, MONDO:0009675, OMIM 253600. Disease mechanism: loss of function.

Submissions (4):

ClinGen Limb Girdle Muscular Dystrophy Variant Curation Expert Panel, ClinGen
Classification: Uncertain significance for Autosomal recessive limb-girdle muscular dystrophy. Last evaluated: 2026-04-28. Review status: reviewed by expert panel. Criteria: ClinGen LGMD VCEP ACMG Specifications CAPN3 V2.0.0. Collection method: curation. Allele origin: germline. Inheritance: Autosomal recessive inheritance.
Comment: The NM_000070.3: c.1354G>T variant in CAPN3 is a missense variant predicted to cause substitution of aspartic acid by tyrosine at amino acid 452, p.(Asp452Tyr). This variant has been identified confirmed in trans with a pathogenic variant, c.598_612del p.(Phe200_Leu204del), in one individual with incidentally identified hyperCKemia (GRASP-LGMD Consortium internal data communication). However, heterozygosity for the c.598_612del variant alone has also been associated with mild calpainopathy (PMID: 33107701) (PM3_Supporting, PP4 not met). This variant is absent from gnomAD v4.1.0 (PM2_Supporting). This variant affects the last nucleotide of exon 10. SpliceAI gives a score of 0.97 for donor loss and 0.62 for strengthening of a cryptic donor in exon 10; these scores are above the VCEP threshold of 0.5 and suggest this variant will affect splicing (PP3). Other variants affecting this splice region predicted to have the same splice effect have also been reported in association with LGMD (PMID: 26060040, 11525884). The computational predictor REVEL also gives a score of 0.731, which is above the threshold of 0.7, evidence that correlates with impact to CAPN3 function. In summary, due to insufficient evidence, this variant is classified as a variant of uncertain significance for autosomal recessive limb girdle muscular dystrophy based on the ACMG/AMP criteria applied, as specified by the ClinGen LGMD VCEP (specifications v2.0.0; 04/28/2026): PM2_Supporting, PP3.

Revvity Omics, Revvity
Classification: Uncertain significance. Last evaluated: 2024-10-07. Review status: criteria provided, single submitter. Criteria: ACMG Guidelines, 2015. Collection method: clinical testing. Allele origin: germline. Not counted in ClinVar's aggregate classification.

Labcorp Genetics (formerly Invitae), Labcorp
Classification: Likely pathogenic for Autosomal recessive limb-girdle muscular dystrophy type 2A. Last evaluated: 2024-07-02. Review status: criteria provided, single submitter. Criteria: Invitae Variant Classification Sherloc (09022015). Collection method: clinical testing. Allele origin: germline. Not counted in ClinVar's aggregate classification.
Comment: This sequence change replaces aspartic acid, which is acidic and polar, with tyrosine, which is neutral and polar, at codon 452 of the CAPN3 protein (p.Asp452Tyr). This variant also falls at the last nucleotide of exon 10, which is part of the consensus splice site for this exon. This variant is not present in population databases (gnomAD no frequency). This missense change has been observed in individual(s) with autosomal recessive limb-girdle muscular dystrophy (Invitae). In at least one individual the data is consistent with being in trans (on the opposite chromosome) from a pathogenic variant. ClinVar contains an entry for this variant (Variation ID: 166789). An algorithm developed to predict the effect of missense changes on protein structure and function (PolyPhen-2) suggests that this variant is likely to be tolerated. Variants that disrupt the consensus splice site are a relatively common cause of aberrant splicing (PMID: 17576681, 9536098). Algorithms developed to predict the effect of sequence changes on RNA splicing suggest that this variant may disrupt the consensus splice site. In summary, the currently available evidence indicates that the variant is pathogenic, but additional data are needed to prove that conclusively. Therefore, this variant has been classified as Likely Pathogenic.

Eurofins Ntd Llc (ga)
Classification: Uncertain significance. Last evaluated: 2014-04-17. Review status: criteria provided, single submitter. Criteria: EGL Classification Definitions 2015. Collection method: clinical testing. Allele origin: germline. Observed: 2 variant alleles, 2 heterozygotes. Not counted in ClinVar's aggregate classification.

Literature cited by the submitters: PubMed 17576681 (cited by Labcorp Genetics (formerly Invitae), Labcorp); PubMed 9536098 (cited by Labcorp Genetics (formerly Invitae), Labcorp).

NM_000070.3(CAPN3):c.1354G>T (p.Asp452Tyr)

Gene: CAPN3 (calpain 3; plus strand). Cytogenetic location: 15q15.1.
Variant type: single nucleotide variant.
Coding change: c.1354G>T on transcript NM_000070.3 (MANE Select); coding-DNA position 1354, G replaced by T.
Protein change: p.Asp452Tyr; replaces aspartic acid 452 with tyrosine.
Molecular consequence: missense variant.
Genome position (GRCh38, 1-based): chr15:42,399,652, G>T. VCF-style: chr15-42399652-G-T. GRCh37 (hg19) VCF-style: chr15-42691850-G-T.
Other names: NM_000070.3(CAPN3):c.1354G>T; c.1354G>T, p.Asp452Tyr (NM_024344.2); c.1210G>T, p.Asp404Tyr (NM_173087.2); short protein forms D452Y, D404Y.
Identifiers: ClinVar variation 166789 (VCV000166789.10), dbSNP rs727503838, ClinGen allele CA233619.